The following is an entry in ClinVar:

ClinVar aggregate classification (germline): Uncertain significance (1 of 4 stars; one submission).

Allele frequency attached by ClinVar (database versions not stated): gnomAD 0.00001; TOPMed 0.00002.
gnomAD v4.1: 1 of 1,596,956 alleles (0.000063%); highest among the groups gnomAD compares: African/African-American, 0.0013%; no homozygotes.

Submission:

Labcorp Genetics (formerly Invitae), Labcorp
Classification: Uncertain significance. Last evaluated: 2022-02-17. Review status: criteria provided, single submitter. Criteria: Invitae Variant Classification Sherloc (09022015). Collection method: clinical testing. Allele origin: germline.
Comment: This sequence change affects codon 39 of the SEC24D mRNA. It is a 'silent' change, meaning that it does not change the encoded amino acid sequence of the SEC24D protein. It affects a nucleotide within the consensus splice site. This variant is not present in population databases (gnomAD no frequency). This variant has not been reported in the literature in individuals affected with SEC24D-related conditions. Algorithms developed to predict the effect of sequence changes on RNA splicing suggest that this variant is not likely to affect RNA splicing. In summary, the available evidence is currently insufficient to determine the role of this variant in disease. Therefore, it has been classified as a Variant of Uncertain Significance.

NM_014822.4(SEC24D):c.117A>C (p.Thr39=)

Gene: SEC24D (SEC24 homolog D, COPII component; minus strand). Cytogenetic location: 4q26.
Variant type: single nucleotide variant.
Coding change: c.117A>C on transcript NM_014822.4 (MANE Select); coding-DNA position 117, A replaced by C.
Protein change: p.Thr39=; no amino-acid change (threonine 39 retained).
Molecular consequence: synonymous variant.
Genome position (GRCh38, 1-based): chr4:118,833,580, T>G on the plus strand (A>C on the coding strand, the complement: SEC24D is on the minus strand). VCF-style: chr4-118833580-T-G. GRCh37 (hg19) VCF-style: chr4-119754735-T-G.
Other names: c.117A>C, p.Thr39= (NM_001318066.2).
Identifiers: ClinVar variation 1947576 (VCV001947576.5), dbSNP rs952922720, ClinGen allele CA104671851.